The following is an entry in ClinVar:

NM_004946.3(DOCK2):c.4045G>A (p.Gly1349Ser)

Gene: DOCK2 (dedicator of cytokinesis 2; plus strand). Cytogenetic location: 5q35.1.
Variant type: single nucleotide variant.
Coding change: c.4045G>A on transcript NM_004946.3 (MANE Select); coding-DNA position 4045, G replaced by A.
Protein change: p.Gly1349Ser; replaces glycine 1349 with serine.
Molecular consequence: missense variant. On other transcripts: non-coding transcript variant (1).
Genome position (GRCh38, 1-based): chr5:170,047,588, G>A. VCF-style: chr5-170047588-G-A. GRCh37 (hg19) VCF-style: chr5-169474592-G-A.
Other names: short protein forms G1349S.
Identifiers: ClinVar variation 2052938 (VCV002052938.4), dbSNP rs2532462826, ClinGen allele CA362109988.

ClinVar aggregate classification (germline): Uncertain significance (1 of 4 stars; one submission).

Conditions:
DOCK2 deficiency. Also called: Immunodeficiency 40. Identifiers: Orphanet 447737, MedGen C4225328, MONDO:0014637, OMIM 616433.

Allele frequency attached by ClinVar (database versions not stated): gnomAD exomes below 0.00001.
gnomAD v4.1: 1 of 1,613,870 alleles (0.000062%); highest among the groups gnomAD compares: Non-Finnish European, 0.000085%; no homozygotes.

Submission:

Labcorp Genetics (formerly Invitae), Labcorp
Classification: Uncertain significance for DOCK2 deficiency. Last evaluated: 2022-03-11. Review status: criteria provided, single submitter. Criteria: Invitae Variant Classification Sherloc (09022015). Collection method: clinical testing. Allele origin: germline.
Comment: In summary, the available evidence is currently insufficient to determine the role of this variant in disease. Therefore, it has been classified as a Variant of Uncertain Significance. Algorithms developed to predict the effect of missense changes on protein structure and function are either unavailable or do not agree on the potential impact of this missense change (SIFT: "Deleterious"; PolyPhen-2: "Probably Damaging"; Align-GVGD: "Class C0"). This variant has not been reported in the literature in individuals affected with DOCK2-related conditions. This variant is not present in population databases (gnomAD no frequency). This sequence change replaces glycine, which is neutral and non-polar, with serine, which is neutral and polar, at codon 1349 of the DOCK2 protein (p.Gly1349Ser).